The following is an entry in ClinVar:

ClinVar aggregate classification (germline): Uncertain significance (1 of 4 stars; one submission).

Conditions:
SCAPER-related disorder. Also called: SCAPER-related condition.

gnomAD v4.1: 11 of 1,610,530 alleles (0.00068%); highest among the groups gnomAD compares: African/African-American, 0.011%; no homozygotes.

Submission:

PreventionGenetics, part of Exact Sciences
Classification: Uncertain significance for SCAPER-related condition. Last evaluated: 2025-03-12. Review status: criteria provided, single submitter. Criteria: ACMG Guidelines, 2015. Collection method: clinical testing. Allele origin: germline.
Comment: The SCAPER c.1025A>G variant is predicted to result in the amino acid substitution p.Glu342Gly. To our knowledge, this variant has not been reported in the literature. This variant is reported in 0.013% of alleles in individuals of African descent in gnomAD. At this time, the clinical significance of this variant is uncertain due to the absence of conclusive functional and genetic evidence.

NM_020843.4(SCAPER):c.1025A>G (p.Glu342Gly)

Gene: SCAPER (S-phase cyclin A associated protein in the ER; minus strand). Cytogenetic location: 15q24.3.
Variant type: single nucleotide variant.
Coding change: c.1025A>G on transcript NM_020843.4 (MANE Select); coding-DNA position 1025, A replaced by G.
Protein change: p.Glu342Gly; replaces glutamic acid 342 with glycine.
Molecular consequence: missense variant. On other transcripts: non-coding transcript variant (1).
Genome position (GRCh38, 1-based): chr15:76,774,865, T>C on the plus strand (A>G on the coding strand, the complement: SCAPER is on the minus strand). VCF-style: chr15-76774865-T-C. GRCh37 (hg19) VCF-style: chr15-77067206-T-C.
Other names: c.287A>G, p.Glu96Gly (NM_001145923.2); c.1025A>G, p.Glu342Gly (NM_001353009.2); c.623A>G, p.Glu208Gly (NM_001353010.2, NM_001353011.2, NM_001353012.2); short protein forms E96G, E208G, E342G.
Identifiers: ClinVar variation 4987472 (VCV004987472.1).